The following is an entry in ClinVar:

ClinVar aggregate classification (germline): Conflicting classifications of pathogenicity. Review status: criteria provided, conflicting classifications (1 of 4 stars). 5 submissions from 3 submitters: Uncertain significance (1); Benign (2); Likely benign (1). 1 of the submissions does not count toward it. Last evaluated 2024-12-29.

Conditions:
Ectrodactyly, ectodermal dysplasia, and cleft lip-palate syndrome 3. Also called: Ectrodactyly, Ectodermal Dysplasia, Cleft Lip/Palate Syndrome 3 (EEC3); Ectrodactyly, Ectodermal Dysplasia, Clefting Syndrome; EEC SYNDROME 3; Ectrodactyly, Ectodermal Dysplasia, Clefting Syndrome Type 3 (EEC3). Identifiers: Orphanet 1896, MedGen C1858562, MONDO:0011428, OMIM 604292.
TP63-Related Spectrum Disorders.
TP63-related disorder. Also called: TP63-Related Disorders; TP63-related condition. Identifiers: MedGen CN380159.
Orofacial cleft 8. Also called: Cleft lip with or without cleft palate, nonsyndromic, 8. Identifiers: MedGen C1851878, MONDO:0029145, OMIM 618149.

Allele frequency attached by ClinVar (database versions not stated): gnomAD 0.00001 and 0.00002; gnomAD exomes 0.00001 and 0.00002; ExAC 0.00002; TOPMed 0.00002.
gnomAD v4.1: 12 of 1,613,972 alleles (0.00074%); highest among the groups gnomAD compares: South Asian, 0.0044%; no homozygotes.

Submissions (5):

Labcorp Genetics (formerly Invitae), Labcorp
Classification: Likely benign. Last evaluated: 2024-12-29. Review status: criteria provided, single submitter. Criteria: Invitae Variant Classification Sherloc (09022015). Collection method: clinical testing. Allele origin: germline.

Illumina Laboratory Services, Illumina
Classification: Uncertain significance for Orofacial cleft 8. Last evaluated: 2018-01-13. Review status: criteria provided, single submitter. Criteria: ICSL Variant Classification Criteria 13 December 2019. Collection method: clinical testing. Allele origin: germline.

Illumina Laboratory Services, Illumina
Classification: Benign for TP63-Related Spectrum Disorders. Last evaluated: 2018-01-13. Review status: criteria provided, single submitter. Criteria: ICSL Variant Classification Criteria 13 December 2019. Collection method: clinical testing. Allele origin: germline.
Comment: This variant was observed in the ICSL laboratory as part of a predisposition screen in an ostensibly healthy population. It had not been previously curated by ICSL or reported in the Human Gene Mutation Database (HGMD: prior to June 1st, 2018), and was therefore a candidate for classification through an automated scoring system. Utilizing variant allele frequency, disease prevalence and penetrance estimates, and inheritance mode, an automated score was calculated to assess if this variant is too frequent to cause the disease. Based on the score and internal cut-off values, a variant classified as benign is not then subjected to further curation. The score for this variant resulted in a classification of benign for this disease.

Illumina Laboratory Services, Illumina
Classification: Benign for Ectrodactyly, ectodermal dysplasia, and cleft lip-palate syndrome 3. Last evaluated: 2018-01-13. Review status: criteria provided, single submitter. Criteria: ICSL Variant Classification Criteria 13 December 2019. Collection method: clinical testing. Allele origin: germline.
Comment: the same text as in the submission from Illumina Laboratory Services, Illumina above.

PreventionGenetics, part of Exact Sciences
Classification: Likely benign for TP63-related condition. Last evaluated: 2024-01-03. Review status: no assertion criteria provided. Collection method: clinical testing. Allele origin: germline. Not counted in ClinVar's aggregate classification.
Comment: This variant is classified as likely benign based on ACMG/AMP sequence variant interpretation guidelines (Richards et al. 2015 PMID: 25741868, with internal and published modifications).

NM_003722.5(TP63):c.1404A>G (p.Lys468=)

Gene: TP63 (tumor protein p63; plus strand). Cytogenetic location: 3q28.
Variant type: single nucleotide variant.
Coding change: c.1404A>G on transcript NM_003722.5 (MANE Select); coding-DNA position 1404, A replaced by G.
Protein change: p.Lys468=; no amino-acid change (lysine 468 retained).
Molecular consequence: synonymous variant.
Genome position (GRCh38, 1-based): chr3:189,886,448, A>G. VCF-style: chr3-189886448-A-G. GRCh37 (hg19) VCF-style: chr3-189604237-A-G.
Other names: c.1404A>G, p.Lys468= (NM_001114978.2, NM_001329144.2); c.1122A>G, p.Lys374= (NM_001114980.2, NM_001114981.2, NM_001329145.2); c.867A>G, p.Lys289= (NM_001329146.2); c.1392A>G, p.Lys464= (NM_001329148.2); c.1110A>G, p.Lys370= (NM_001329149.2); c.855A>G, p.Lys285= (NM_001329150.2); c.1398A>G, p.Lys466= (NM_001329964.2).
Identifiers: ClinVar variation 901611 (VCV000901611.13), dbSNP rs753627633, ClinGen allele CA2752480.